The following continues an entry in ClinVar:

NM_001130438.3(SPTAN1):c.6899ACCAGCTGG[3] (p.2300DQL[3])

Gene: SPTAN1. ClinVar aggregate classification (germline): Pathogenic/Likely pathogenic. Pathogenic (12); Likely pathogenic (2).

Submissions 14 to 16 of 16:

Lifecell International Pvt. Ltd
Classification: Likely pathogenic for Developmental and epileptic encephalopathy, 5. Review status: criteria provided, single submitter. Criteria: ACMG Guidelines, 2015. Collection method: clinical testing. Allele origin: germline. Inheritance: Autosomal dominant inheritance. Affected: yes. Observed: 1 heterozygote.
Comment: A Heterozygous Inframe indel variant c.6881_6882insGGACCAGCT in Exon 52 of the SPTAN1 gene that results in the amino acid substitution p.Trp2294_Asp2295insAspGlnLeu was identified. The observed variant is novel in gnomAD exomes and genomes, respectively. The severity of the impact of this variant on the protein is medium, based on the effect of the protein and REVEL score. Rare Exome Variant Ensemble Learner (REVEL) is an ensembl method for predicting the pathogenicity of missense variants based on a combination of scores from 13 individual tools: MutPred, FATHMM v2.3, VEST 3.0, PolyPhen-2, SIFT, PROVEAN, MutationAssessor, MutationTaster, LRT, GERP++, SiPhy, phyloP, and phastCons. The REVEL score for an individual missense variant can range from 0 to 1, with higher scores reflecting greater likelihood that the variant is disease-causing. ClinVar has also classified this variant as Pathogenic/ LikelyPathogenic (Variant ID: 160028). This disorder has previously been reported in the patient affected with epilepsy (Nonoda Y et.al 2012). Based on the above evidence this variant has been classified as Likely Pathogenic according to the ACMG guidelines.

OMIM
Classification: Pathogenic for DEVELOPMENTAL AND EPILEPTIC ENCEPHALOPATHY 5. Last evaluated: 2013-03-01. Review status: no assertion criteria provided. Collection method: literature only. Allele origin: germline. Not counted in ClinVar's aggregate classification.

Dubai Health Genomic Medicine Center, Dubai Health
Classification: Likely pathogenic. Last evaluated: 2020-01-24. Review status: flagged submission. Criteria: ACMG Guidelines, 2015. Collection method: clinical testing. Allele origin: germline. Affected: yes. Not counted in ClinVar's aggregate classification.
Comment: The p.Asp2303_Leu2305dup variant in the SPTAN1 gene was initially reported as a de novo mutation in a child with West syndrome and hypomyelination2. Subsequently this variant was identified as de novo in 7 additional patients13. This duplication results in an in-frame duplication of three well-conserved amino acids in the last spectrin repeat starting with codon Aspartic Acid 2303 and ending at codon Leucine 2305. Previously reported pathogenic variants in SPTAN1 include in-frame deletions or duplications located within the last four spectrin repeats of the protein which are essential for dimerization14 and this variant is within the this region. In vitro functional studies indicated that this variant result in gain-of-function due to aggregation of αII spectrin1. The amino acid stretch extending from codons 2303-2309 is highly important for α/β spectrin heterodimerization and/or spectrin function in the brain and amino acid duplications that fall within this region have more severe consequences on spectrin dimer formation than deletions1. This variant is absent in control population databases. In summary this variant meets our criteria to be classified as pathogenic. SPTAN1-related encephalopathy has distinct clinical phenotypes including epileptic encephalopathy with hypsarrhythmia acquired microcephaly no visual attention spastic quadriplegia and severe Intellectual disability. Brainstem and cerebellar atrophy and cerebral hypomyelination identified by MRI are specific hallmarks of this disorder3. These phenotypes are caused by in-frame SPTAN1 mutations in the C-terminal region that act in a dominant negative manner. Infantile spasms were the more prominent type of seizure in EIEE5 associated with SPTAN1 variants and reported to be refractory to treatment1. References: 1. Syrbe S. et al. Delineating SPTAN1 associated phenotypes: From isolated epilepsy to encephalopathy with progressive brain atrophy. Brain 140 2322–2336 (2017). 2. Nonoda Y. et al. Progressive diffuse brain atrophy in West syndrome with marked hypomyelination due to SPTAN1 gene mutation. Brain Dev. 35 280–283 (2013). 3. Tohyama J. et al. SPTAN1 encephalopathy: Distinct phenotypes and genotypes. Journal of Human Genetics 60 167–173 (2015). 4. Saitsu H. et al. Dominant-Negative Mutations in α-II Spectrin Cause West Syndrome with Severe Cerebral Hypomyelination Spastic Quadriplegia and Developmental Delay. Am. J. Hum. Genet. 86 881–891 (2010). 5. den Dunnen J. T. et al. HGVS Recommendations for the Description of Sequence Variants: 2016 Update. Hum. Mutat. 37 564–569 (2016). 6. Richards S. et al. Standards and guidelines for the interpretation of sequence variants: a joint consensus recommendation of the American College of Medical Genetics and Genomics and the Association for Molecular Pathology. Genet. Med. 17 405–24 (2015).
ClinVar note: Reason: This record appears to be redundant with a more recent record from the same submitter.
ClinVar note: Notes: SCV001984103 appears to be redundant with SCV002818215.

Literature cited by the submitters: PubMed 29050398 (cited by 5 submitters); PubMed 35231114 (cited by Variantyx, Inc.); PubMed 35586607 (cited by Variantyx, Inc.); PubMed 22656320 (cited by 6 submitters); DOI 10.1093/brain/awx195 (cited by Pediatrics, MediClubGeorgia); PubMed 29337302 (cited by Eurofins Ntd Llc (ga)); PubMed 25631096 (cited by Eurofins Ntd Llc (ga) and Ambry Genetics).